The following is an entry in ClinVar:

NM_001365999.1(SZT2):c.2087G>A (p.Arg696Gln)

Gene: SZT2 (SZT2 subunit of KICSTOR complex; plus strand). Cytogenetic location: 1p34.2.
Variant type: single nucleotide variant.
Coding change: c.2087G>A on transcript NM_001365999.1 (MANE Select); coding-DNA position 2087, G replaced by A.
Protein change: p.Arg696Gln; replaces arginine 696 with glutamine.
Molecular consequence: missense variant.
Genome position (GRCh38, 1-based): chr1:43,423,148, G>A. VCF-style: chr1-43423148-G-A. GRCh37 (hg19) VCF-style: chr1-43888819-G-A.
Other names: c.2087G>A (NM_015284.3); c.2087G>A, p.Arg696Gln (NM_015284.4); short protein forms R696Q.
Identifiers: ClinVar variation 1907744 (VCV001907744.8), dbSNP rs777893030, ClinGen allele CA808612.

ClinVar aggregate classification (germline): Uncertain significance. Review status: criteria provided, multiple submitters, no conflicts (2 of 4 stars). 2 submissions from 2 submitters: Uncertain significance (2). Last evaluated 2025-09-26.

Allele frequency attached by ClinVar (database versions not stated): ExAC 0.00002.
gnomAD v4.1: 16 of 1,596,898 alleles (0.001%); highest among the groups gnomAD compares: Non-Finnish European, 0.0012%; no homozygotes.

Submissions (3):

GeneDx
Classification: Uncertain significance. Last evaluated: 2025-09-26. Review status: criteria provided, single submitter. Criteria: GeneDx Variant Classification Process June 2021. Collection method: clinical testing. Allele origin: germline.
Comment: Not observed at significant frequency in large population cohorts (gnomAD); In silico analysis supports a deleterious effect on splicing; In silico analysis suggests that this missense variant does not alter protein structure/function; Has not been previously published as pathogenic or benign to our knowledge

Labcorp Genetics (formerly Invitae), Labcorp
Classification: Uncertain significance. Last evaluated: 2023-10-13. Review status: criteria provided, single submitter. Criteria: Invitae Variant Classification Sherloc (09022015). Collection method: clinical testing. Allele origin: germline.
Comment: This sequence change replaces arginine, which is basic and polar, with glutamine, which is neutral and polar, at codon 696 of the SZT2 protein (p.Arg696Gln). This variant is present in population databases (rs777893030, gnomAD 0.003%). This variant has not been reported in the literature in individuals affected with SZT2-related conditions. ClinVar contains an entry for this variant (Variation ID: 1907744). Advanced modeling of protein sequence and biophysical properties (such as structural, functional, and spatial information, amino acid conservation, physicochemical variation, residue mobility, and thermodynamic stability) performed at Invitae indicates that this missense variant is expected to disrupt SZT2 protein function. Algorithms developed to predict the effect of sequence changes on RNA splicing suggest that this variant may disrupt the consensus splice site. In summary, the available evidence is currently insufficient to determine the role of this variant in disease. Therefore, it has been classified as a Variant of Uncertain Significance.

Dr. Peter K. Rogan Lab, Western University
No classification provided (evidence only). Condition: Thyroid cancer, nonmedullary, 1. Review status: no classification provided. Collection method: in vitro. Allele origin: not applicable. Functional consequence: retained intron. Not counted in ClinVar's aggregate classification.